The following is an entry in ClinVar:

NM_032608.7(MYO18B):c.1845G>T (p.Gly615=)

Gene: MYO18B (myosin XVIIIB; plus strand). Cytogenetic location: 22q12.1.
Variant type: single nucleotide variant.
Coding change: c.1845G>T on transcript NM_032608.7 (MANE Select); coding-DNA position 1845, G replaced by T.
Protein change: p.Gly615=; no amino-acid change (glycine 615 retained).
Molecular consequence: synonymous variant.
Genome position (GRCh38, 1-based): chr22:25,772,486, G>T. VCF-style: chr22-25772486-G-T. GRCh37 (hg19) VCF-style: chr22-26168453-G-T.
Other names: c.1845G>T, p.Gly615= (NM_001318245.2); c.1845G>T (NM_032608.6).
Identifiers: ClinVar variation 1535822 (VCV001535822.10), dbSNP rs375159435, ClinGen allele CA10159966.

ClinVar aggregate classification (germline): Likely benign. Review status: criteria provided, single submitter (1 of 4 stars). 2 submissions from 2 submitters: Likely benign (1). 1 of the submissions does not count toward it. Last evaluated 2025-11-08.

Conditions:
MYO18B-related disorder. Also called: MYO18B-related condition.

Allele frequency attached by ClinVar (database versions not stated): ESP Exome Variant Server 0.00016.
gnomAD v4.1: 420 of 1,613,718 alleles (0.026%); highest among the groups gnomAD compares: Non-Finnish European, 0.033%; no homozygotes.

Submissions (2):

Labcorp Genetics (formerly Invitae), Labcorp
Classification: Likely benign. Last evaluated: 2025-11-08. Review status: criteria provided, single submitter. Criteria: Invitae Variant Classification Sherloc (09022015). Collection method: clinical testing. Allele origin: germline.

PreventionGenetics, part of Exact Sciences
Classification: Likely benign for MYO18B-related condition. Last evaluated: 2024-09-24. Review status: no assertion criteria provided. Collection method: clinical testing. Allele origin: germline. Not counted in ClinVar's aggregate classification.
Comment: This variant is classified as likely benign based on ACMG/AMP sequence variant interpretation guidelines (Richards et al. 2015 PMID: 25741868, with internal and published modifications).